The following is an entry in ClinVar:

ClinVar aggregate classification (germline): Uncertain significance. Review status: criteria provided, multiple submitters, no conflicts (2 of 4 stars). 2 submissions from 2 submitters: Uncertain significance (2). Last evaluated 2025-03-18.

Allele frequency attached by ClinVar (database versions not stated): gnomAD 0.00003; TOPMed 0.00003; gnomAD exomes 0.00005; ExAC 0.00007; 1000 Genomes Project 0.00040; 1000 Genomes Project 30x 0.00047.
gnomAD v4.1: 70 of 1,614,076 alleles (0.0043%); highest among the groups gnomAD compares: South Asian, 0.023%; no homozygotes.

Submissions (2):

Women's Health and Genetics/Laboratory Corporation of America, LabCorp
Classification: Uncertain significance. Last evaluated: 2025-03-18. Review status: criteria provided, single submitter. Criteria: LabCorp Variant Classification Summary - May 2015. Collection method: clinical testing. Allele origin: germline.
Comment: Variant summary: SLC1A3 c.1177G>A (p.Val393Ile) results in a conservative amino acid change located in the seventh transmembrane domain (Choi_2017) of the encoded protein sequence. Three of five in-silico tools predict a benign effect of the variant on protein function. The variant allele was found at a frequency of 8e-05 in 251402 control chromosomes in the gnomAD database, including one homozygote. This frequency is not significantly higher than estimated for a pathogenic variant in SLC1A3 causing Episodic Ataxia Type 6, allowing no conclusion about variant significance. c.1177G>A has been reported in the literature in two individuals affected with Episodic Ataxia Type 6 and two asymptomatic individuals in one family (Choi_2017). These data indicate that the variant may be associated with disease. At least one publication reports this variant affected the SLC1A3 protein function (Chivukula_2020). The following publications have been ascertained in the context of this evaluation (PMID: 32741053, 27829685). ClinVar contains an entry for this variant (Variation ID: 2203630). Based on the evidence outlined above, the variant was classified as VUS-possibly pathogenic.

Labcorp Genetics (formerly Invitae), Labcorp
Classification: Uncertain significance. Last evaluated: 2022-06-13. Review status: criteria provided, single submitter. Criteria: Invitae Variant Classification Sherloc (09022015). Collection method: clinical testing. Allele origin: germline.
Comment: In summary, the available evidence is currently insufficient to determine the role of this variant in disease. Therefore, it has been classified as a Variant of Uncertain Significance. Experimental studies have shown that this missense change affects SLC1A3 function (PMID: 32741053). Algorithms developed to predict the effect of missense changes on protein structure and function are either unavailable or do not agree on the potential impact of this missense change (SIFT: "Deleterious"; PolyPhen-2: "Probably Damaging"; Align-GVGD: "Class C0"). This missense change has been observed in individual(s) with clinical feature of episodic ataxia (PMID: 27829685). This variant is present in population databases (rs549250283, gnomAD 0.03%). This sequence change replaces valine, which is neutral and non-polar, with isoleucine, which is neutral and non-polar, at codon 393 of the SLC1A3 protein (p.Val393Ile).

Literature cited by the submitters: PubMed 32741053 (cited by Women's Health and Genetics/Laboratory Corporation of America, LabCorp and Labcorp Genetics (formerly Invitae), Labcorp); PubMed 27829685 (cited by Women's Health and Genetics/Laboratory Corporation of America, LabCorp and Labcorp Genetics (formerly Invitae), Labcorp).

NM_004172.5(SLC1A3):c.1177G>A (p.Val393Ile)

Genes: SLC1A3 (solute carrier family 1 member 3; plus strand), SLC1A3-AS1 (SLC1A3 antisense RNA 1; minus strand). Cytogenetic location: 5p13.2.
Variant type: single nucleotide variant.
Coding change: c.1177G>A on transcript NM_004172.5 (MANE Select); coding-DNA position 1177, G replaced by A.
Protein change: p.Val393Ile; replaces valine 393 with isoleucine.
Molecular consequence: missense variant.
Genome position (GRCh38, 1-based): chr5:36,680,477, G>A. VCF-style: chr5-36680477-G-A. GRCh37 (hg19) VCF-style: chr5-36680579-G-A.
Other names: c.1177G>A, p.Val393Ile (NM_001166695.3); c.1039G>A, p.Val347Ile (NM_001289939.2); c.841G>A, p.Val281Ile (NM_001289940.2); short protein forms V347I, V281I, V393I.
Identifiers: ClinVar variation 2203630 (VCV002203630.5), dbSNP rs549250283, ClinGen allele CA3235626.